The following is an entry in ClinVar:

NM_172107.4(KCNQ2):c.1763+1690G>A

Gene: KCNQ2 (potassium voltage-gated channel subfamily Q member 2; minus strand). Cytogenetic location: 20q13.33.
Variant type: single nucleotide variant.
Coding change: c.1763+1690G>A on transcript NM_172107.4 (MANE Select); 1690 bases into the intron after coding-DNA position 1763, G replaced by A.
Molecular consequence: intron variant.
Genome position (GRCh38, 1-based): chr20:63,411,760, C>T on the plus strand (G>A on the coding strand, the complement: KCNQ2 is on the minus strand). VCF-style: chr20-63411760-C-T. GRCh37 (hg19) VCF-style: chr20-62043113-C-T.
Other names: c.1679+1690G>A (NM_004518.6); c.1670+1690G>A (NM_172108.5); c.1709+1690G>A (NM_172106.3); c.1817+15G>A (NM_001382235.1).
Identifiers: ClinVar variation 3256839 (VCV003256839.2).
Genomic context (GRCh38, chr20:63,411,760, plus strand): 5'-TGCTGCCGTCATGTGGCCTGGAGCGAAGGGGCCGGCCATTCCACAGACACGTCGGAGAGG[C>T]GCTGGCATCCTAACCTAGGTGAGTACTGGGGTGACTCTCTCGGAGGGGCCGTGGGTCCTT-3'

ClinVar aggregate classification (germline): Benign (1 of 4 stars; one submission).

gnomAD v4.1: 30,471 of 596,092 alleles (5.1%); highest among the groups gnomAD compares: Admixed American, 11%; 1,104 homozygotes.

Submission:

Unidad de Genómica Garrahan, Hospital de Pediatría Garrahan
Classification: Benign. Last evaluated: 2024-07-31. Review status: criteria provided, single submitter. Criteria: ACMG Guidelines, 2015. Collection method: clinical testing. Allele origin: germline. Affected: no. Observed: 19 variant alleles.
Comment: This variant is classified as Benign based on local population frequency. This variant was detected in 20% of patients studied in a panel designed for Epileptic and Developmental Encephalopathy, Progressive Myoclonus Epilepsy and Abnormal Movements and Neurodegeneration with brain iron accumulation. Number of patients: 19. Only high quality variants are reported.